The following is an entry in ClinVar:

NM_000179.3(MSH6):c.148T>C (p.Trp50Arg)

Gene: MSH6 (mutS homolog 6; plus strand). Cytogenetic location: 2p16.3.
Variant type: single nucleotide variant.
Coding change: c.148T>C on transcript NM_000179.3 (MANE Select); coding-DNA position 148, T replaced by C.
Protein change: p.Trp50Arg; replaces tryptophan 50 with arginine.
Molecular consequence: missense variant. On other transcripts: 5 prime UTR variant (1).
Genome position (GRCh38, 1-based): chr2:47,783,381, T>C. VCF-style: chr2-47783381-T-C. GRCh37 (hg19) VCF-style: chr2-48010520-T-C.
Other names: c.148T>C, p.Trp50Arg (NM_001281492.2); c.-589T>C (NM_001281493.2); short protein forms W50R.
Identifiers: ClinVar variation 187071 (VCV000187071.27), dbSNP rs374597395, ClinGen allele CA008708.

ClinVar aggregate classification (germline): Conflicting classifications of pathogenicity. Review status: criteria provided, conflicting classifications (1 of 4 stars). 9 submissions from 9 submitters: Uncertain significance (2); Benign (2); Likely benign (4). 1 of the submissions does not count toward it. Last evaluated 2026-01-28.

Conditions:
Hereditary nonpolyposis colorectal neoplasms. Identifiers: MedGen C0009405, MeSH D003123.
Lynch syndrome. Identifiers: Orphanet 144, MedGen C4552100, MONDO:0005835. Disease mechanism: loss of function.
Hereditary cancer-predisposing syndrome. Also called: Neoplastic Syndromes, Hereditary; Tumor predisposition; Hereditary Cancer Syndrome; Hereditary neoplastic syndrome. Identifiers: Orphanet 140162, MedGen C0027672, MeSH D009386, MONDO:0015356.
Lynch syndrome 5 (LYNCH5). Also called: Colorectal cancer, hereditary nonpolyposis, type 5; Hereditary non-polyposis colorectal cancer, type 5. Identifiers: Orphanet 144, MedGen C1833477, MONDO:0013710, OMIM 614350. Disease mechanism: loss of function.

Allele frequency attached by ClinVar (database versions not stated): TOPMed below 0.00001; gnomAD exomes 0.00001; ExAC 0.00002; ESP Exome Variant Server 0.00009.
gnomAD v4.1: 6 of 1,591,918 alleles (0.00038%); highest among the groups gnomAD compares: Non-Finnish European, 0.00043%; no homozygotes.

Submissions (9):

Labcorp Genetics (formerly Invitae), Labcorp
Classification: Likely benign for Hereditary nonpolyposis colorectal neoplasms. Last evaluated: 2026-01-28. Review status: criteria provided, single submitter. Criteria: Invitae Variant Classification Sherloc (09022015). Collection method: clinical testing. Allele origin: germline.

KCCC/NGS Laboratory, Kuwait Cancer Control Center
Classification: Benign for Lynch syndrome 5. Last evaluated: 2025-02-01. Review status: criteria provided, single submitter. Criteria: ACMG Guidelines, 2015. Collection method: clinical testing. Allele origin: germline. Affected: no.

Myriad Genetics, Inc.
Classification: Benign for Lynch syndrome 5. Last evaluated: 2024-12-17. Review status: criteria provided, single submitter. Criteria: Myriad Autosomal Dominant, Autosomal Recessive and X-Linked Classification Criteria (2023). Collection method: clinical testing. Allele origin: unknown.
Comment: This variant is considered benign. This variant is strongly associated with less severe personal and family histories of cancer, typical for individuals without pathogenic variants in this gene [PMID: 27363726]. This variant has been observed in trans with a known pathogenic variant in one or more individuals lacking clinical features consistent with gene-specific recessive disease.

All of Us Research Program, National Institutes of Health
Classification: Likely benign for Lynch syndrome. Last evaluated: 2023-09-17. Review status: criteria provided, single submitter. Criteria: ACMG Guidelines, 2015. Collection method: clinical testing. Allele origin: germline. Inheritance: Autosomal dominant inheritance. Observed: 1 variant allele, 1 heterozygote.
Comment: This study involves interpretation of variants in research participants for the purpose of population health screening. Participant phenotype was not available at the time of variant classification. Additional details can be found in publication PMID: 35346344, PMCID: PMC8962531

GeneDx
Classification: Uncertain significance. Last evaluated: 2023-05-08. Review status: criteria provided, single submitter. Criteria: GeneDx Variant Classification Process June 2021. Collection method: clinical testing. Allele origin: germline. Affected: yes.
Comment: Not observed at significant frequency in large population cohorts (gnomAD); In silico analysis supports that this missense variant does not alter protein structure/function; Has not been previously published as pathogenic or benign to our knowledge; This variant is associated with the following publications: (PMID: 23621914)

Women's Health and Genetics/Laboratory Corporation of America, LabCorp
Classification: Uncertain significance. Last evaluated: 2022-07-11. Review status: criteria provided, single submitter. Criteria: LabCorp Variant Classification Summary - May 2015. Collection method: clinical testing. Allele origin: germline.
Comment: Variant summary: MSH6 c.148T>C (p.Trp50Arg) results in a non-conservative amino acid change in the encoded protein sequence. Four of five in-silico tools predict a benign effect of the variant on protein function. A bioinformatics analysis supports that this missense variant does not alter protein structure (example: Terui_2013). The variant allele was found at a frequency of 9.9e-06 in 201732 control chromosomes (gnomAD). The available data on variant occurrences in the general population are insufficient to allow any conclusion about variant significance. To our knowledge, no occurrence of c.148T>C in individuals affected with Lynch Syndrome and no experimental evidence demonstrating its impact on protein function have been reported. Four clinical diagnostic laboratories have submitted clinical-significance assessments for this variant to ClinVar after 2014 and classified the variant VUS (n=1) and likely benign (n=3). Based on the evidence outlined above, the variant was classified as uncertain significance.

Ambry Genetics
Classification: Likely benign for Hereditary cancer-predisposing syndrome. Last evaluated: 2019-03-29. Review status: criteria provided, single submitter. Criteria: Ambry Variant Classification Scheme 2023. Collection method: clinical testing. Allele origin: germline.

Color Diagnostics, LLC DBA Color Health
Classification: Likely benign for Hereditary cancer-predisposing syndrome. Last evaluated: 2018-01-25. Review status: criteria provided, single submitter. Criteria: ACMG Guidelines, 2015. Collection method: clinical testing. Allele origin: germline.

Department of Pathology and Laboratory Medicine, Sinai Health System
Classification: Uncertain significance for Lynch syndrome. Review status: no assertion criteria provided. Collection method: clinical testing. Allele origin: unknown. Affected: yes. Study: The Canadian Open Genetics Repository (COGR). Not counted in ClinVar's aggregate classification.
Comment: The MSH6 p.Trp50Arg variant was not identified in the literature nor was it identified in the GeneInsight-COGR, Cosmic, MutDB, Zhejiang University Database, Mismatch Repair Genes Variant Database, MMR Gene Unclassified Variants Database, or Insight Hereditary Tumors databases. The variant was identified in dbSNP (ID: rs374597395) as "With Likely benign allele", ClinVar (classified as likely benign by Ambry Genetics and Invitae), and in UMD-LSDB (1x) databases. The variant was identified in control databases in 2 of 199148 chromosomes at a frequency of 0.00001 (Genome Aggregation Database Feb 27, 2017). The variant identified in European population in 2 of 84074 chromosomes (freq: 0.00002), while the variant was not observed in the African, Other, Latino, Ashkenazi Jewish, East Asian, Finnish, and South Asian populations. The p.Trp50 residue is not conserved in mammals and four out of five computational analyses (PolyPhen-2, SIFT, AlignGVGD, BLOSUM, MutationTaster) do not suggest a high likelihood of impact to the protein; however, this information is not predictive enough to rule out pathogenicity. The variant occurs outside of the splicing consensus sequence and in silico or computational prediction software programs (SpliceSiteFinder, MaxEntScan, NNSPLICE, GeneSplicer, HumanSpliceFinder) do not predict a difference in splicing. In summary, based on the above information the clinical significance of this variant cannot be determined with certainty at this time. This variant is classified as a variant of uncertain significance.

Literature cited by the submitters: PubMed 27363726 (cited by Myriad Genetics, Inc.); PubMed 23621914 (cited by Women's Health and Genetics/Laboratory Corporation of America, LabCorp).